The following is an entry in ClinVar:

NM_198252.3(GSN):c.649G>C (p.Glu217Gln)

Gene: GSN (gelsolin; plus strand). Cytogenetic location: 9q33.2.
Variant type: single nucleotide variant.
Coding change: c.649G>C on transcript NM_198252.3 (MANE Select); coding-DNA position 649, G replaced by C.
Protein change: p.Glu217Gln; replaces glutamic acid 217 with glutamine.
Molecular consequence: missense variant. On other transcripts: 5 prime UTR variant (1).
Genome position (GRCh38, 1-based): chr9:121,312,474, G>C. VCF-style: chr9-121312474-G-C. GRCh37 (hg19) VCF-style: chr9-124074752-G-C.
Other names: c.802G>C, p.Glu268Gln (NM_000177.5); c.649G>C, p.Glu217Gln (NM_001127662.2, NM_001127664.2, NM_001127665.2 and 10 more transcripts); c.757G>C, p.Glu253Gln (NM_001127663.2); c.682G>C, p.Glu228Gln (NM_001127666.2, NM_001127667.2, NM_001353063.2 and 13 more transcripts); c.700G>C, p.Glu234Gln (NM_001258029.2); c.673G>C, p.Glu225Gln (NM_001258030.2); c.721G>C, p.Glu241Gln (NM_001353076.2); c.-6G>C (NM_001353078.2); short protein forms E225Q, E217Q, E268Q, E228Q, E241Q, E253Q, E234Q.
Identifiers: ClinVar variation 1922491 (VCV001922491.5), dbSNP rs757836648, ClinGen allele CA374741084.
Genomic context (GRCh38, chr9:121,312,474, plus strand): 5'-CGGGACAACGAGCGGAGTGGCCGGGCCCGAGTGCACGTGTCTGAGGAGGGCACTGAGCCC[G>C]AGGCGATGCTCCAGGTGCCTGTGGGGTGCGCAATGGGGTGGCCATGGGGACACGCTGCTC-3'
Protein context (NP_937895.1, residues 207-227): VHVSEEGTEP[Glu217Gln]AMLQVLGPKP

ClinVar aggregate classification (germline): Uncertain significance (1 of 4 stars; one submission).

gnomAD v4.1: 2 of 1,612,494 alleles (0.00012%); highest among the groups gnomAD compares: Non-Finnish European, 0.00017%; no homozygotes.

Submission:

Labcorp Genetics (formerly Invitae), Labcorp
Classification: Uncertain significance. Last evaluated: 2021-12-23. Review status: criteria provided, single submitter. Criteria: Invitae Variant Classification Sherloc (09022015). Collection method: clinical testing. Allele origin: germline.
Comment: This sequence change replaces glutamic acid, which is acidic and polar, with glutamine, which is neutral and polar, at codon 268 of the GSN protein (p.Glu268Gln). This variant is not present in population databases (gnomAD no frequency). This variant has not been reported in the literature in individuals affected with GSN-related conditions. Algorithms developed to predict the effect of missense changes on protein structure and function output the following: SIFT: "Tolerated"; PolyPhen-2: "Benign"; Align-GVGD: "Class C0". The glutamine amino acid residue is found in multiple mammalian species, which suggests that this missense change does not adversely affect protein function. In summary, the available evidence is currently insufficient to determine the role of this variant in disease. Therefore, it has been classified as a Variant of Uncertain Significance.